The following is an entry in ClinVar:

NM_152703.5(SAMD9L):c.283C>T (p.Pro95Ser)

Gene: SAMD9L (sterile alpha motif domain containing 9 like; minus strand). Cytogenetic location: 7q21.2.
Variant type: single nucleotide variant.
Coding change: c.283C>T on transcript NM_152703.5 (MANE Select); coding-DNA position 283, C replaced by T.
Protein change: p.Pro95Ser; replaces proline 95 with serine.
Molecular consequence: missense variant.
Genome position (GRCh38, 1-based): chr7:93,135,689, G>A on the plus strand (C>T on the coding strand, the complement: SAMD9L is on the minus strand). VCF-style: chr7-93135689-G-A. GRCh37 (hg19) VCF-style: chr7-92765002-G-A.
Other names: c.283C>T, p.Pro95Ser (NM_001303496.3, NM_001303497.3, NM_001303498.3 and 5 more transcripts); short protein forms P95S.
Identifiers: ClinVar variation 3949771 (VCV003949771.1).
Genomic context (GRCh38, chr7:93,135,689, plus strand): 5'-TTGAATTTTCTTCTTCCTTTTTGGTGTGTTTTGGATTTTTCTGGTGTTCTGTTTTGGACG[G>A]TTTTGAATTATCTAATTGTCCCGGATCATGATTGTCACTTTCAGGGGACTTACTATTCAA-3'
Protein context (NP_689916.2, residues 85-105): HDPGQLDNSK[Pro95Ser]SKTEHQKNPK

ClinVar aggregate classification (germline): Uncertain significance (1 of 4 stars; one submission).

Conditions:
Inborn genetic diseases. Identifiers: MedGen C0950123, MeSH D030342.

gnomAD v4.1: 5 of 1,613,978 alleles (0.00031%); highest among the groups gnomAD compares: South Asian, 0.0044%; no homozygotes.

Submission:

Ambry Genetics
Classification: Uncertain significance for Inborn genetic diseases. Last evaluated: 2025-03-25. Review status: criteria provided, single submitter. Criteria: Ambry Variant Classification Scheme 2023. Collection method: clinical testing. Allele origin: germline.
Comment: The p.P95S variant (also known as c.283C>T), located in coding exon 1 of the SAMD9L gene, results from a C to T substitution at nucleotide position 283. The proline at codon 95 is replaced by serine, an amino acid with similar properties. This amino acid position is conserved. In addition, this alteration is predicted to be tolerated by in silico analysis. Based on the available evidence, the clinical significance of this variant remains unclear.